The following is an entry in ClinVar:

ClinVar aggregate classification (germline): Uncertain significance (1 of 4 stars; one submission).

Allele frequency attached by ClinVar (database versions not stated): gnomAD exomes below 0.00001 and 0.00002; gnomAD 0.00001; TOPMed 0.00001.
gnomAD v4.1: 35 of 1,613,600 alleles (0.0022%); highest among the groups gnomAD compares: Non-Finnish European, 0.0029%; no homozygotes.

Submission:

Labcorp Genetics (formerly Invitae), Labcorp
Classification: Uncertain significance. Last evaluated: 2022-10-24. Review status: criteria provided, single submitter. Criteria: Invitae Variant Classification Sherloc (09022015). Collection method: clinical testing. Allele origin: germline.
Comment: This sequence change replaces proline, which is neutral and non-polar, with serine, which is neutral and polar, at codon 698 of the AGBL5 protein (p.Pro698Ser). This variant is present in population databases (no rsID available, gnomAD 0.002%). This variant has not been reported in the literature in individuals affected with AGBL5-related conditions. ClinVar contains an entry for this variant (Variation ID: 1510790). Algorithms developed to predict the effect of missense changes on protein structure and function output the following: SIFT: "Tolerated"; PolyPhen-2: "Benign"; Align-GVGD: "Class C0". The serine amino acid residue is found in multiple mammalian species, which suggests that this missense change does not adversely affect protein function. In summary, the available evidence is currently insufficient to determine the role of this variant in disease. Therefore, it has been classified as a Variant of Uncertain Significance.

NM_021831.6(AGBL5):c.2092C>T (p.Pro698Ser)

Gene: AGBL5 (AGBL carboxypeptidase 5; plus strand). Cytogenetic location: 2p23.3.
Variant type: single nucleotide variant.
Coding change: c.2092C>T on transcript NM_021831.6 (MANE Select); coding-DNA position 2092, C replaced by T.
Protein change: p.Pro698Ser; replaces proline 698 with serine.
Molecular consequence: missense variant. On other transcripts: non-coding transcript variant (2).
Genome position (GRCh38, 1-based): chr2:27,067,496, C>T. VCF-style: chr2-27067496-C-T. GRCh37 (hg19) VCF-style: chr2-27290364-C-T.
Other names: short protein forms P698S.
Identifiers: ClinVar variation 1510790 (VCV001510790.6), dbSNP rs1392825814, ClinGen allele CA346140672.
Genomic context (GRCh38, chr2:27,067,496, plus strand): 5'-CTGCCTCATAGTGCCCCACTTATTTGCCCTTTTATCTGCTTGTATCTCTTCCACTCAGAG[C>T]CCCGAAGCCAGGACAGGAGACGGCAGCAGCAGCCCCTGAACCATCGTCCTGCAGGCAGCC-3'
Protein context (NP_068603.4, residues 688-708): THRVLGPVRE[Pro698Ser]RSQDRRRQQQ